The following is an entry in ClinVar:

GRCh37/hg19 8q21.13-22.1(chr8:84127576-98263585)x1

Genes: ATP6V0D2 (ATPase H+ transporting V0 subunit d2; plus strand), CA1 (carbonic anhydrase 1; minus strand), CA13 (carbonic anhydrase 13; plus strand), CA2 (carbonic anhydrase 2; plus strand), CA3 (carbonic anhydrase 3; plus strand) and 50 more. Cytogenetic location: 8q21.13-22.1.
Variant type: copy number loss.
Change: copy number 1 (one copy instead of two) of chr8:84,127,576-98,263,585 (14.14 Mb, GRCh37 coordinates, 1-based), cytogenetic band 8q21.13-22.1.
Identifiers: ClinVar variation 2685315 (VCV002685315.1).

ClinVar aggregate classification (germline): Pathogenic (1 of 4 stars; one submission).

Submission:

Quest Diagnostics Nichols Institute San Juan Capistrano
Classification: Pathogenic. Last evaluated: 2023-04-07. Review status: criteria provided, single submitter. Criteria: ACMG/ClinGen CNV Guidelines, 2019. Collection method: clinical testing. Allele origin: unknown.
Comment: This loss involves numerous protein-coding genes, including NBN (OMIM 602667) and RUNX1T1 (OMIM 133435). Deletions of 8q21.13q22.1 have been reported in individuals with Nablus mask-like facial syndrome (NMLFS; OMIM 608156, Allanson 2012, Allanson 2018, Overhoff 2014, Raas-Rothschild 2009) and a variety of other phenotypes; reduced penetrance has been suggested. Although hemizygous deletions of the current interval have not been conclusively associated with a specific and fully predictable phenotype, based on gene content and current medical literature, this copy number variant (CNV) is classified as pathogenic. References: Allanson et al., Am J Med Genet A. 2012 Sep;158A(9):2091-9. PMID: 22821852 Allanson et al., Am J Med Genet C Semin Med Genet. 2018 Dec;178(4):447-457. PMID: 30580486 Overhoff et al., Am J Med Genet A. 2014 Jan;164A(1):259-63. PMID: 24259484 Raas-Rothschild et al., Eur J Med Genet. 2009 Mar-Jun;52(2-3):140-4. PMID: 19328248